The following is an entry in ClinVar:

NM_004082.5(DCTN1):c.2653C>A (p.Pro885Thr)

Gene: DCTN1 (dynactin subunit 1; minus strand). Cytogenetic location: 2p13.1.
Variant type: single nucleotide variant.
Coding change: c.2653C>A on transcript NM_004082.5 (MANE Select); coding-DNA position 2653, C replaced by A.
Protein change: p.Pro885Thr; replaces proline 885 with threonine.
Molecular consequence: missense variant. On other transcripts: non-coding transcript variant (1).
Genome position (GRCh38, 1-based): chr2:74,366,351, G>T on the plus strand (C>A on the coding strand, the complement: DCTN1 is on the minus strand). VCF-style: chr2-74366351-G-T. GRCh37 (hg19) VCF-style: chr2-74593478-G-T.
Other names: c.2593C>A, p.Pro865Thr (NM_001135040.3); c.2251C>A, p.Pro751Thr (NM_001135041.3, NM_023019.4); c.2542C>A, p.Pro848Thr (NM_001190836.2); c.2632C>A, p.Pro878Thr (NM_001190837.2); c.2602C>A, p.Pro868Thr (NM_001378991.1); c.2584C>A, p.Pro862Thr (NM_001378992.1); short protein forms P751T, P848T, P862T, P865T, P868T, P878T, P885T.
Identifiers: ClinVar variation 2504828 (VCV002504828.3), dbSNP rs2529112812, ClinGen allele CA347345584.

ClinVar aggregate classification (germline): Uncertain significance. Review status: criteria provided, multiple submitters, no conflicts (2 of 4 stars). 2 submissions from 2 submitters: Uncertain significance (2). Last evaluated 2024-04-30.

Conditions:
Amyotrophic lateral sclerosis type 1 (ALS1). Also called: AMYOTROPHIC LATERAL SCLEROSIS 1, FAMILIAL. Identifiers: Orphanet 803, MedGen C1862939, MONDO:0007103, OMIM 105400.
Perry syndrome. Also called: PARKINSONISM WITH ALVEOLAR HYPOVENTILATION AND MENTAL DEPRESSION. Identifiers: Orphanet 178509, MedGen C1868594, MONDO:0008201, OMIM 168605.
Neuronopathy, distal hereditary motor, type 7B. Also called: HMN VIIB; Distal Hereditary Motor Neuronopathy Type 7B (dHMN7B); LOWER MOTOR NEURON DISEASE, DYNACTIN TYPE; NEURONOPATHY, DISTAL HEREDITARY MOTOR, AUTOSOMAL DOMINANT 14; NEURONOPATHY, DISTAL HEREDITARY MOTOR, HARDING TYPE VIIB; NEUROPATHY, DISTAL HEREDITARY MOTOR, HARDING TYPE VIIB. Identifiers: Orphanet 139589, MedGen C1843315, MONDO:0011879, OMIM 607641.

Submissions (2):

Labcorp Genetics (formerly Invitae), Labcorp
Classification: Uncertain significance for Amyotrophic lateral sclerosis type 1; Neuronopathy, distal hereditary motor, type 7B; Perry syndrome. Last evaluated: 2024-04-30. Review status: criteria provided, single submitter. Criteria: Invitae Variant Classification Sherloc (09022015). Collection method: clinical testing. Allele origin: germline.
Comment: This sequence change replaces proline, which is neutral and non-polar, with threonine, which is neutral and polar, at codon 885 of the DCTN1 protein (p.Pro885Thr). This variant is not present in population databases (gnomAD no frequency). This variant has not been reported in the literature in individuals affected with DCTN1-related conditions. ClinVar contains an entry for this variant (Variation ID: 2504828). Advanced modeling of protein sequence and biophysical properties (such as structural, functional, and spatial information, amino acid conservation, physicochemical variation, residue mobility, and thermodynamic stability) performed at Invitae indicates that this missense variant is not expected to disrupt DCTN1 protein function with a negative predictive value of 80%. In summary, the available evidence is currently insufficient to determine the role of this variant in disease. Therefore, it has been classified as a Variant of Uncertain Significance.

GeneDx
Classification: Uncertain significance. Last evaluated: 2022-12-08. Review status: criteria provided, single submitter. Criteria: GeneDx Variant Classification Process June 2021. Collection method: clinical testing. Allele origin: germline. Affected: yes.
Comment: Not observed at significant frequency in large population cohorts (gnomAD); In silico analysis supports that this missense variant has a deleterious effect on protein structure/function; Has not been previously published as pathogenic or benign to our knowledge